The following is an entry in ClinVar:

NM_001206744.2(TPO):c.2141del (p.Phe714fs)

Genes: TPO (thyroid peroxidase; plus strand), LALTOP (lung cancer associated lncRNA targeting TOP2A; minus strand). Cytogenetic location: 2p25.3.
Variant type: Deletion.
Coding change: c.2141del on transcript NM_001206744.2 (MANE Select); coding-DNA position 2141, one base deleted (T; older notation c.2141delT).
Protein change: p.Phe714fs; shifts the reading frame from phenylalanine 714.
Molecular consequence: frameshift variant.
Genome position (GRCh38, 1-based): chr2:1,496,123, T deleted; the last of 2 consecutive T bases (chr2:1,496,122-1,496,123); deleting either gives the same sequence. VCF-style (leftmost placement, unchanged base first): chr2-1496121-AT-A. GRCh37 (hg19) VCF-style: chr2-1499893-AT-A.
Other names: c.2141del, p.Phe714fs (NM_000547.6, NM_175721.3); c.1970del, p.Phe657fs (NM_001206745.2, NM_175719.4); c.1622del, p.Phe541fs (NM_175722.3); c.2141del (NM_000547.5); short protein forms F714fs, F541fs, F657fs.
Identifiers: ClinVar variation 3584392 (VCV003584392.3).

ClinVar aggregate classification (germline): Pathogenic/Likely pathogenic. Review status: criteria provided, multiple submitters, no conflicts (2 of 4 stars). 2 submissions from 2 submitters: Pathogenic (1); Likely pathogenic (1). Last evaluated 2024-06-01.

Conditions:
Deficiency of iodide peroxidase (TDH2A). Also called: HYPOTHYROIDISM, CONGENITAL, DUE TO DYSHORMONOGENESIS, 2A; IODIDE PEROXIDASE DEFICIENCY; THYROID HORMONOGENESIS, GENETIC DEFECT IN, 2A; THYROID PEROXIDASE DEFICIENCY; Thyroid dyshormonogenesis 2A. Identifiers: Orphanet 95716, MedGen C1291299, MONDO:0010133, OMIM 274500.

Submissions (2):

Fulgent Genetics
Classification: Likely pathogenic for Deficiency of iodide peroxidase. Last evaluated: 2024-06-01. Review status: criteria provided, single submitter. Criteria: ACMG Guidelines, 2015. Collection method: clinical testing. Allele origin: germline.

Labcorp Genetics (formerly Invitae), Labcorp
Classification: Pathogenic. Last evaluated: 2024-02-29. Review status: criteria provided, single submitter. Criteria: Invitae Variant Classification Sherloc (09022015). Collection method: clinical testing. Allele origin: germline.
Comment: This sequence change creates a premature translational stop signal (p.Phe714Serfs*14) in the TPO gene. It is expected to result in an absent or disrupted protein product. Loss-of-function variants in TPO are known to be pathogenic (PMID: 11061528, 23236987, 25564141). This variant is not present in population databases (gnomAD no frequency). This variant has not been reported in the literature in individuals affected with TPO-related conditions. For these reasons, this variant has been classified as Pathogenic.

Literature cited by the submitters: PubMed 11061528 (cited by Labcorp Genetics (formerly Invitae), Labcorp); PubMed 23236987 (cited by Labcorp Genetics (formerly Invitae), Labcorp); PubMed 25564141 (cited by Labcorp Genetics (formerly Invitae), Labcorp).